The following is an entry in ClinVar:

ClinVar aggregate classification (germline): Uncertain significance (1 of 4 stars; one submission).

Submission:

Ambry Genetics
Classification: Uncertain significance. Last evaluated: 2024-10-11. Review status: criteria provided, single submitter. Criteria: Ambry Variant Classification Scheme 2023. Collection method: clinical testing. Allele origin: germline.
Comment: The p.P101L variant (also known as c.302C>T), located in coding exon 1 of the PALLD gene, results from a C to T substitution at nucleotide position 302. The proline at codon 101 is replaced by leucine, an amino acid with similar properties. This amino acid position is conserved. In addition, this alteration is predicted to be tolerated by in silico analysis. Based on the available evidence, the clinical significance of this variant remains unclear.

NM_001166108.2(PALLD):c.302C>T (p.Pro101Leu)

Gene: PALLD (palladin, cytoskeletal associated protein; plus strand). Cytogenetic location: 4q32.3.
Variant type: single nucleotide variant.
Coding change: c.302C>T on transcript NM_001166108.2 (MANE Select); coding-DNA position 302, C replaced by T.
Protein change: p.Pro101Leu; replaces proline 101 with leucine.
Molecular consequence: missense variant.
Genome position (GRCh38, 1-based): chr4:168,511,806, C>T. VCF-style: chr4-168511806-C-T. GRCh37 (hg19) VCF-style: chr4-169432957-C-T.
Other names: c.302C>T, p.Pro101Leu (NM_016081.4); short protein forms P101L.
Identifiers: ClinVar variation 3413565 (VCV003413565.1).